The following is an entry in ClinVar:

NM_003738.5(PTCH2):c.1519A>G (p.Ile507Val)

Gene: PTCH2 (patched 2; minus strand). Cytogenetic location: 1p34.1.
Variant type: single nucleotide variant.
Coding change: c.1519A>G on transcript NM_003738.5 (MANE Select); coding-DNA position 1519, A replaced by G.
Protein change: p.Ile507Val; replaces isoleucine 507 with valine.
Molecular consequence: missense variant.
Genome position (GRCh38, 1-based): chr1:44,828,577, T>C on the plus strand (A>G on the coding strand, the complement: PTCH2 is on the minus strand). VCF-style: chr1-44828577-T-C. GRCh37 (hg19) VCF-style: chr1-45294249-T-C.
Other names: c.1519A>G, p.Ile507Val (NM_001166292.2); short protein forms I507V.
Identifiers: ClinVar variation 524554 (VCV000524554.10), dbSNP rs139931596, ClinGen allele CA823280.

ClinVar aggregate classification (germline): Uncertain significance (1 of 4 stars; one submission).

Conditions:
Gorlin syndrome. Also called: Nevoid Basal Cell Carcinoma Syndrome; Basal cell nevus syndrome. Identifiers: Orphanet 377, MedGen C0004779, MONDO:0007187.

Allele frequency attached by ClinVar (database versions not stated): gnomAD exomes 0.00002 and 0.00011; ExAC 0.00003; gnomAD 0.00003 and 0.00004; TOPMed 0.00006; ESP Exome Variant Server 0.00008.
gnomAD v4.1: 175 of 1,613,836 alleles (0.011%); highest among the groups gnomAD compares: Non-Finnish European, 0.014%; no homozygotes.

Submission:

Labcorp Genetics (formerly Invitae), Labcorp
Classification: Uncertain significance for Gorlin syndrome. Last evaluated: 2023-01-13. Review status: criteria provided, single submitter. Criteria: Invitae Variant Classification Sherloc (09022015). Collection method: clinical testing. Allele origin: germline.
Comment: In summary, the available evidence is currently insufficient to determine the role of this variant in disease. Therefore, it has been classified as a Variant of Uncertain Significance. Advanced modeling of protein sequence and biophysical properties (such as structural, functional, and spatial information, amino acid conservation, physicochemical variation, residue mobility, and thermodynamic stability) performed at Invitae indicates that this missense variant is not expected to disrupt PTCH2 protein function. ClinVar contains an entry for this variant (Variation ID: 524554). This variant has not been reported in the literature in individuals affected with PTCH2-related conditions. This variant is present in population databases (rs139931596, gnomAD 0.006%). This sequence change replaces isoleucine, which is neutral and non-polar, with valine, which is neutral and non-polar, at codon 507 of the PTCH2 protein (p.Ile507Val).